The following is an entry in ClinVar:

NM_000152.5(GAA):c.2415G>A (p.Val805=)

Gene: GAA (alpha glucosidase; plus strand). Cytogenetic location: 17q25.3.
Variant type: single nucleotide variant.
Coding change: c.2415G>A on transcript NM_000152.5 (MANE Select); coding-DNA position 2415, G replaced by A.
Protein change: p.Val805=; no amino-acid change (valine 805 retained).
Molecular consequence: synonymous variant.
Genome position (GRCh38, 1-based): chr17:80,117,683, G>A. VCF-style: chr17-80117683-G-A. GRCh37 (hg19) VCF-style: chr17-78091482-G-A.
Other names: c.2415G>A (LRG_673t1, NM_000152.4); c.2415G>A, p.Val805= (NM_001079803.3, NM_001079804.3).
Identifiers: ClinVar variation 194697 (VCV000194697.58), dbSNP rs150536507, ClinGen allele CA240812.

ClinVar aggregate classification (germline): Conflicting classifications of pathogenicity. Review status: criteria provided, conflicting classifications (1 of 4 stars). 13 submissions from 13 submitters: Uncertain significance (3); Likely benign (9). 1 of the submissions does not count toward it. Last evaluated 2026-08-01.

Conditions:
Cardiovascular phenotype. Identifiers: MedGen CN230736.
Glycogen storage disease, type II (IOPD). Also called: CARDIOMEGALIA GLYCOGENICA DIFFUSA; GLYCOGENOSIS, GENERALIZED, CARDIAC FORM; GSD II; Glucosidase acid-1,4-alpha deficiency; Pompe Disease; POMPE DISEASE, INFANTILE-ONSET. Identifiers: Orphanet 365, MedGen C0017921, MONDO:0009290, OMIM 232300.

Allele frequency attached by ClinVar (database versions not stated): ESP Exome Variant Server 0.00108; gnomAD 0.00112; TOPMed 0.00136.
gnomAD v4.1: 2,443 of 1,612,432 alleles (0.15%); highest among the groups gnomAD compares: Non-Finnish European, 0.19%; 2 homozygotes.

Submissions (13):

CeGaT Center for Human Genetics Tuebingen
Classification: Likely benign. Last evaluated: 2026-08-01. Review status: criteria provided, single submitter. Criteria: CeGaT Center For Human Genetics Tuebingen Variant Classification Criteria Version 2. Collection method: clinical testing. Allele origin: germline. Affected: yes. Observed: 6 variant alleles.
Comment: GAA: BP4, BP7

Labcorp Genetics (formerly Invitae), Labcorp
Classification: Likely benign for Glycogen storage disease, type II. Last evaluated: 2026-02-03. Review status: criteria provided, single submitter. Criteria: Invitae Variant Classification Sherloc (09022015). Collection method: clinical testing. Allele origin: germline.

Mayo Clinic Laboratories, Mayo Clinic
Classification: Likely benign. Last evaluated: 2025-09-09. Review status: criteria provided, single submitter. Criteria: ACMG Guidelines, 2015. Collection method: clinical testing. Allele origin: germline. Observed: 10 variant alleles.
Comment: BP4, BP7

Blueprint Genetics
Classification: Likely benign. Last evaluated: 2024-11-19. Review status: criteria provided, single submitter. Criteria: ACMG Guidelines, 2015. Collection method: clinical testing. Allele origin: germline.

ARUP Laboratories, Molecular Genetics and Genomics, ARUP Laboratories
Classification: Likely benign for Glycogen storage disease, type II. Last evaluated: 2024-07-18. Review status: criteria provided, single submitter. Criteria: ARUP Molecular Germline Variant Investigation Process 2024. Collection method: clinical testing. Allele origin: germline.

Women's Health and Genetics/Laboratory Corporation of America, LabCorp
Classification: Likely benign. Last evaluated: 2022-03-18. Review status: criteria provided, single submitter. Criteria: LabCorp Variant Classification Summary - May 2015. Collection method: clinical testing. Allele origin: germline.

Ambry Genetics
Classification: Likely benign for Cardiovascular phenotype. Last evaluated: 2022-02-17. Review status: criteria provided, single submitter. Criteria: Ambry Variant Classification Scheme 2023. Collection method: clinical testing. Allele origin: germline.

Genome-Nilou Lab
Classification: Uncertain significance for Glycogen storage disease, type II. Last evaluated: 2021-07-22. Review status: criteria provided, single submitter. Criteria: ACMG Guidelines, 2015. Collection method: clinical testing. Allele origin: germline. Affected: no.

GeneDx
Classification: Likely benign. Last evaluated: 2021-04-03. Review status: criteria provided, single submitter. Criteria: GeneDx Variant Classification Process June 2021. Collection method: clinical testing. Allele origin: germline. Affected: yes.

Broad Center for Mendelian Genomics, Broad Institute of MIT and Harvard
Classification: Likely benign for Glycogen storage disease, type II. Last evaluated: 2020-01-22. Review status: criteria provided, single submitter. Criteria: ACMG Guidelines, 2015. Collection method: curation. Allele origin: germline. Inheritance: Autosomal recessive inheritance.
Comment: The heterozygous c.2415G>A (p.Val805=) variant in GAA has been reported as a likely benign variant (by GeneDx and Invitae) and a VUS (by EGL Genetic Diagnostics and Illumina) for Glycogen Storage Disease II in ClinVar (Variation ID: 194697). This variant has been identified in 0.1495% (189/126462) of European (non-Finnish) chromosomes and 0.1387% (49/35320) of Latino chromosomes by the Genome Aggregation Database (gnomAD; dbSNP rs150536507). Although this variant has been seen in the general population, its frequency is not high enough to rule out a pathogenic role. Computational prediction tools, including splice predictors, and conservation analyses suggest that this variant may not impact the protein, though this information is not predictive enough to rule out pathogenicity. In summary, although additional studies are required to fully establish its clinical significance, this variant is likely benign. ACMG/AMP Criteria applied: BP7, BP4 (Richards 2015).

Eurofins Ntd Llc (ga)
Classification: Uncertain significance. Last evaluated: 2018-04-13. Review status: criteria provided, single submitter. Criteria: EGL ClinVar v180209 classification definitions. Collection method: clinical testing. Allele origin: germline. Observed: 19 variant alleles, 18 heterozygotes.

Illumina Laboratory Services, Illumina
Classification: Uncertain significance for Glycogen storage disease, type II. Last evaluated: 2018-01-13. Review status: criteria provided, single submitter. Criteria: ICSL Variant Classification Criteria 13 December 2019. Collection method: clinical testing. Allele origin: germline.

Natera, Inc.
Classification: Uncertain significance for Glycogen storage disease type II. Last evaluated: 2019-11-11. Review status: no assertion criteria provided. Collection method: clinical testing. Allele origin: germline. Not counted in ClinVar's aggregate classification.